The following is an entry in ClinVar:

ClinVar aggregate classification (germline): Uncertain significance. Review status: criteria provided, multiple submitters, no conflicts (2 of 4 stars). 2 submissions from 2 submitters: Uncertain significance (2). Last evaluated 2025-08-03.

Allele frequency attached by ClinVar (database versions not stated): ExAC 0.00005; gnomAD exomes 0.00017; TOPMed 0.00006; gnomAD 0.00005.
gnomAD v4.1: 241 of 1,557,592 alleles (0.015%); highest among the groups gnomAD compares: Non-Finnish European, 0.02%; no homozygotes.

Submissions (2):

Mayo Clinic Laboratories, Mayo Clinic
Classification: Uncertain significance. Last evaluated: 2025-08-03. Review status: criteria provided, single submitter. Criteria: ACMG Guidelines, 2015. Collection method: clinical testing. Allele origin: germline. Observed: 1 variant allele.
Comment: BS2

Ambry Genetics
Classification: Uncertain significance. Last evaluated: 2025-01-26. Review status: criteria provided, single submitter. Criteria: Ambry Variant Classification Scheme 2023. Collection method: clinical testing. Allele origin: germline.

NM_001164760.2(PRKAR1B):c.914G>A (p.Arg305His)

Gene: PRKAR1B (protein kinase cAMP-dependent type I regulatory subunit beta; minus strand). Cytogenetic location: 7p22.3.
Variant type: single nucleotide variant.
Coding change: c.914G>A on transcript NM_001164760.2 (MANE Select); coding-DNA position 914, G replaced by A.
Protein change: p.Arg305His; replaces arginine 305 with histidine.
Molecular consequence: missense variant.
Genome position (GRCh38, 1-based): chr7:551,448, C>T on the plus strand (G>A on the coding strand, the complement: PRKAR1B is on the minus strand). VCF-style: chr7-551448-C-T. GRCh37 (hg19) VCF-style: chr7-591085-C-T.
Other names: p.Arg305His; c.914G>A, p.Arg305His (NM_001164758.2, NM_001164759.1, NM_001164761.2 and 2 more transcripts); short protein forms R305H.
Identifiers: ClinVar variation 2398733 (VCV002398733.4), dbSNP rs748743633, ClinGen allele CA4109886.